The following is an entry in ClinVar:

NM_000548.5(TSC2):c.4085_4098del (p.Val1362fs)

Gene: TSC2 (TSC complex subunit 2; plus strand). Cytogenetic location: 16p13.3.
Variant type: Deletion.
Coding change: c.4085_4098del on transcript NM_000548.5 (MANE Select); coding-DNA positions 4085 to 4098, 14 bases deleted (TCGTCTCCTCGGAG).
Protein change: p.Val1362fs; shifts the reading frame from valine 1362.
Molecular consequence: frameshift variant.
Genome position (GRCh38, 1-based): chr16:2,084,307-2,084,320, TCGTCTCCTCGGAG deleted; deleting any 14 consecutive bases within chr16:2,084,304-2,084,320 gives the same sequence; the c. name uses the placement nearest the transcript's 3' end. VCF-style (leftmost placement, unchanged base first): chr16-2084303-CGAGTCGTCTCCTCG-C. GRCh37 (hg19) VCF-style: chr16-2134304-CGAGTCGTCTCCTCG-C.
Other names: c.3884_3897del, p.Val1295fs (NM_001077183.3); c.4016_4029del, p.Val1339fs (NM_001114382.3); c.3776_3789del, p.Val1259fs (NM_001318827.2); c.3740_3753del, p.Val1247fs (NM_001318829.2); c.3353_3366del, p.Val1118fs (NM_001318831.2); c.3917_3930del, p.Val1306fs (NM_001318832.2); c.3887_3900del, p.Val1296fs (NM_001363528.2); c.3953_3966del, p.Val1318fs (NM_001370404.1); and 1 more; short protein forms V1118fs, V1247fs, V1259fs, V1295fs, V1296fs, V1306fs, V1318fs, V1319fs.
Identifiers: ClinVar variation 1687353 (VCV001687353.1), dbSNP rs2151522509, ClinGen allele CA2573151600.

ClinVar aggregate classification (germline): Pathogenic (1 of 4 stars; one submission).

Conditions:
Tuberous sclerosis 2 (TSC2). Identifiers: Orphanet 805, MedGen C1860707, MONDO:0013199, OMIM 613254.

Submission:

3billion
Classification: Pathogenic for Tuberous sclerosis 2. Last evaluated: 2022-05-22. Review status: criteria provided, single submitter. Criteria: ACMG Guidelines, 2015. Collection method: clinical testing. Allele origin: germline. Affected: yes. Observed: 1 heterozygote.
Comment: The variant is not observed in the gnomAD v2.1.1 dataset. Frameshift: predicted to result in a loss or disruption of normal protein function through nonsense-mediated decay (NMD) or protein truncation. Multiple pathogenic variants are reported downstream of the variant. The patient phenotype is considered compatible with TSC2 related disorder (3billion dataset). Therefore, this variant is classified as pathogenic according to the recommendation of ACMG/AMP guideline.

Literature cited by the submitters: PubMed 24053982; PubMed 3.